The following is an entry in ClinVar:

NM_015041.3(CLUAP1):c.670C>G (p.Leu224Val)

Gene: CLUAP1 (clusterin associated protein 1; plus strand). Cytogenetic location: 16p13.3.
Variant type: single nucleotide variant.
Coding change: c.670C>G on transcript NM_015041.3 (MANE Select); coding-DNA position 670, C replaced by G.
Protein change: p.Leu224Val; replaces leucine 224 with valine.
Molecular consequence: missense variant.
Genome position (GRCh38, 1-based): chr16:3,519,993, C>G. VCF-style: chr16-3519993-C-G. GRCh37 (hg19) VCF-style: chr16-3569993-C-G.
Other names: c.670C>G, p.Leu224Val (NM_001330454.2); c.172C>G, p.Leu58Val (NM_024793.3); short protein forms L58V, L224V.
Identifiers: ClinVar variation 1041072 (VCV001041072.8), dbSNP rs2037802498, ClinGen allele CA394513302.
Genomic context (GRCh38, chr16:3,519,993, plus strand): 5'-AATAATGTGGCCTCTGATGAAGCTAATTTAGAAGCCAAAATCGAAAAGAGAAAATTAGAA[C>G]TGGAAAGAAATCGGAAGCGACTAGAGACTCTGCAGAGTGTCAGGTAGATATGAACACTTG-3'
Protein context (NP_055856.1, residues 214-234): EAKIEKRKLE[Leu224Val]ERNRKRLETL

ClinVar aggregate classification (germline): Uncertain significance (1 of 4 stars; one submission).

Allele frequency attached by ClinVar (database versions not stated): gnomAD exomes below 0.00001.
gnomAD v4.1: 3 of 1,613,576 alleles (0.00019%); highest among the groups gnomAD compares: African/African-American, 0.004%; no homozygotes.

Submission:

Labcorp Genetics (formerly Invitae), Labcorp
Classification: Uncertain significance. Last evaluated: 2020-07-21. Review status: criteria provided, single submitter. Criteria: Invitae Variant Classification Sherloc (09022015). Collection method: clinical testing. Allele origin: germline.
Comment: In summary, the available evidence is currently insufficient to determine the role of this variant in disease. Therefore, it has been classified as a Variant of Uncertain Significance. Algorithms developed to predict the effect of missense changes on protein structure and function are either unavailable or do not agree on the potential impact of this missense change (SIFT: "Deleterious"; PolyPhen-2: "Probably Damaging"; Align-GVGD: "Class C0"). This variant has not been reported in the literature in individuals with CLUAP1-related conditions. This variant is not present in population databases (ExAC no frequency). This sequence change replaces leucine with valine at codon 224 of the CLUAP1 protein (p.Leu224Val). The leucine residue is highly conserved and there is a small physicochemical difference between leucine and valine.